The following is an entry in ClinVar:

ClinVar aggregate classification (germline): Benign/Likely benign. Review status: criteria provided, multiple submitters, no conflicts (2 of 4 stars). 4 submissions from 4 submitters: Benign (1); Likely benign (3). Last evaluated 2025-04-30.

Conditions:
Hereditary cancer-predisposing syndrome. Also called: Neoplastic Syndromes, Hereditary; Tumor predisposition; Hereditary Cancer Syndrome; Hereditary neoplastic syndrome. Identifiers: Orphanet 140162, MedGen C0027672, MeSH D009386, MONDO:0015356.
Familial melanoma. Also called: Hereditary melanoma; Hereditary cutaneous melanoma. Identifiers: Orphanet 618, MedGen C1512419, MONDO:0018961.
Melanoma, cutaneous malignant, susceptibility to, 3. Also called: Cutaneous malignant melanoma 3. Identifiers: Orphanet 618, MedGen C1836892, MONDO:0012183, OMIM 609048.

Submissions (4):

Labcorp Genetics (formerly Invitae), Labcorp
Classification: Likely benign for Familial melanoma. Last evaluated: 2025-04-30. Review status: criteria provided, single submitter. Criteria: Invitae Variant Classification Sherloc (09022015). Collection method: clinical testing. Allele origin: germline.

Women's Health and Genetics/Laboratory Corporation of America, LabCorp
Classification: Likely benign. Last evaluated: 2024-12-06. Review status: criteria provided, single submitter. Criteria: LabCorp Variant Classification Summary - May 2015. Collection method: clinical testing. Allele origin: germline.

Myriad Genetics, Inc.
Classification: Benign for Melanoma, cutaneous malignant, susceptibility to, 3. Last evaluated: 2024-09-26. Review status: criteria provided, single submitter. Criteria: Myriad Autosomal Dominant, Autosomal Recessive and X-Linked Classification Criteria (2023). Collection method: clinical testing. Allele origin: unknown.
Comment: This variant is considered benign. This variant is a silent/synonymous amino acid change and it is not expected to impact splicing.

Ambry Genetics
Classification: Likely benign for Hereditary cancer-predisposing syndrome. Last evaluated: 2014-12-22. Review status: criteria provided, single submitter. Criteria: Ambry Variant Classification Scheme 2023. Collection method: clinical testing. Allele origin: germline.

NM_000075.4(CDK4):c.718C>A (p.Arg240=)

Genes: CDK4 (cyclin dependent kinase 4; minus strand), TSPAN31 (tetraspanin 31; plus strand). Cytogenetic location: 12q14.1.
Variant type: single nucleotide variant.
Coding change: c.718C>A on transcript NM_000075.4 (MANE Select); coding-DNA position 718, C replaced by A.
Protein change: p.Arg240=; no amino-acid change (arginine 240 retained).
Molecular consequence: synonymous variant. On other transcripts: 3 prime UTR variant (3).
Genome position (GRCh38, 1-based): chr12:57,749,283, G>T on the plus strand (C>A on the coding strand, the complement: CDK4 is on the minus strand). VCF-style: chr12-57749283-G-T. GRCh37 (hg19) VCF-style: chr12-58143066-G-T.
Other names: c.*1993G>T (NM_001330168.2, NM_001330169.2, NM_005981.5).
Identifiers: ClinVar variation 187602 (VCV000187602.12), dbSNP rs786203856, ClinGen allele CA198059.
Genomic context (GRCh38, chr12:57,749,283, plus strand): 5'-CCGACTGCACTGGGCGGGGCCCTCTGGGGGGAAAGGCTCCACGGGGCAGGGATACATCTC[G>T]AGGCCAGTCATCCTCTGGAGGCAGCCCAATCAGGCTGTGGGGGACAGGAGAACTCTGGTC-3'
Protein context (NP_000066.1, residues 230-250): IGLPPEDDWP[Arg240=]DVSLPRGAFP